The following is an entry in ClinVar:

ClinVar aggregate classification (germline): Likely benign (1 of 4 stars; one submission).

gnomAD v4.1: 1 of 1,614,078 alleles (0.000062%); highest among the groups gnomAD compares: Non-Finnish European, 0.000085%; no homozygotes.

Submission:

CeGaT Center for Human Genetics Tuebingen
Classification: Likely benign. Last evaluated: 2022-08-01. Review status: criteria provided, single submitter. Criteria: CeGaT Center For Human Genetics Tuebingen Variant Classification Criteria Version 2. Collection method: clinical testing. Allele origin: germline. Affected: yes. Observed: 1 variant allele.
Comment: ARID1B: PM2:Supporting, BP4, BP7

NM_001374828.1(ARID1B):c.5694G>A (p.Lys1898=)

Gene: ARID1B (AT-rich interaction domain 1B; plus strand). Cytogenetic location: 6q25.3.
Variant type: single nucleotide variant.
Coding change: c.5694G>A on transcript NM_001374828.1 (MANE Select); coding-DNA position 5694, G replaced by A.
Protein change: p.Lys1898=; no amino-acid change (lysine 1898 retained).
Molecular consequence: synonymous variant.
Genome position (GRCh38, 1-based): chr6:157,206,466, G>A. VCF-style: chr6-157206466-G-A. GRCh37 (hg19) VCF-style: chr6-157527600-G-A.
Other names: c.5445G>A, p.Lys1815= (NM_001346813.1); c.3195G>A, p.Lys1065= (NM_001363725.2); c.5574G>A, p.Lys1858= (NM_001371656.1, NM_001374820.1); c.5535G>A, p.Lys1845= (NM_017519.3); c.5325G>A, p.Lys1775= (NM_020732.3); c.5112G>A, p.Lys1704= (NM_175863.2).
Identifiers: ClinVar variation 2657070 (VCV002657070.24), dbSNP rs2128392710, ClinGen allele CA452978558.